The following is an entry in ClinVar:

ClinVar aggregate classification (germline): Pathogenic. Review status: criteria provided, multiple submitters, no conflicts (2 of 4 stars). 3 submissions from 3 submitters: Pathogenic (3). Last evaluated 2025-10-12.

Conditions:
Aniridia 1 (AN1). Identifiers: Orphanet 250923, MedGen C0344542, MONDO:0024507, OMIM 106210.
Irido-corneo-trabecular dysgenesis (ASGD5). Also called: ANTERIOR SEGMENT DYSGENESIS 5. Identifiers: Orphanet 708, MedGen C0344559, MONDO:0011414, OMIM 604229, HP:0000659.
PAX6-related disorder. Also called: PAX6-related disorders; PAX6-related condition.

Submissions (3):

Labcorp Genetics (formerly Invitae), Labcorp
Classification: Pathogenic for Aniridia 1; Irido-corneo-trabecular dysgenesis. Last evaluated: 2025-10-12. Review status: criteria provided, single submitter. Criteria: Invitae Variant Classification Sherloc (09022015). Collection method: clinical testing. Allele origin: germline.
Comment: This sequence change creates a premature translational stop signal (p.Arg67*) in the PAX6 gene. It is expected to result in an absent or disrupted protein product. Loss-of-function variants in PAX6 are known to be pathogenic (PMID: 12634864). This variant is not present in population databases (gnomAD no frequency). This premature translational stop signal has been observed in individual(s) with aniridia (PMID: 9482572). ClinVar contains an entry for this variant (Variation ID: 265499). For these reasons, this variant has been classified as Pathogenic.

PreventionGenetics, part of Exact Sciences
Classification: Pathogenic for PAX6-related condition. Last evaluated: 2025-01-13. Review status: criteria provided, single submitter. Criteria: ACMG Guidelines, 2015. Collection method: clinical testing. Allele origin: germline.
Comment: The PAX6 c.241A>T variant is predicted to result in premature protein termination (p.Arg81*). This variant has been reported in individuals with aniridia (reported as R67X using transcript NM_001310159, Prosser et al. 1998. PubMed ID: 9482572). This variant is absent in a large population database (gnomAD), indicating this variant is rare. Nonsense variants in PAX6 are an established mechanism of disease. This variant is interpreted as pathogenic.

GeneDx
Classification: Pathogenic. Last evaluated: 2016-03-08. Review status: criteria provided, single submitter. Criteria: GeneDx Variant Classification (06012015). Collection method: clinical testing. Allele origin: germline. Affected: yes.
Comment: The R67X nonsense variant in the PAX6 gene has been reported previously in association with aniridia (Love et al., 1998; Bobilev et al., 2015). This variant is predicted to cause loss of normal protein function either through protein truncation or nonsense-mediated mRNA decay. The R67X variant was not observed in approximately 6,500 individuals of European and African American ancestry in the NHLBI Exome Sequencing Project, indicating it is not a common benign variant in these populations.

Literature cited by the submitters: PubMed 12634864 (cited by Labcorp Genetics (formerly Invitae), Labcorp); PubMed 9482572 (cited by Labcorp Genetics (formerly Invitae), Labcorp).

NM_001368894.2(PAX6):c.241A>T (p.Arg81Ter)

Gene: PAX6 (paired box 6; minus strand). Cytogenetic location: 11p13.
Variant type: single nucleotide variant.
Coding change: c.241A>T on transcript NM_001368894.2 (MANE Select); coding-DNA position 241, A replaced by T.
Protein change: p.Arg81Ter; replaces arginine 81 with a stop codon.
Molecular consequence: nonsense. On other transcripts: 5 prime UTR variant (14), non-coding transcript variant (2), intron variant (8).
Genome position (GRCh38, 1-based): chr11:31,801,719, T>A on the plus strand (A>T on the coding strand, the complement: PAX6 is on the minus strand). VCF-style: chr11-31801719-T-A. GRCh37 (hg19) VCF-style: chr11-31823267-T-A.
Other names: c.241A>T (NM_001604.5); c.199A>T, p.Arg67Ter (NM_000280.6, NM_001127612.3, NM_001258464.2 and 10 more transcripts); c.241A>T, p.Arg81Ter (NM_001258462.3, NM_001258463.2, NM_001310158.2 and 6 more transcripts); c.-541A>T (NM_001310160.2, NM_001368902.2, NM_001368905.2); c.-210A>T (NM_001310161.3, NM_001368899.2, NM_001368900.2 and 8 more transcripts); c.442A>T, p.Arg148Ter (NM_001368910.2); c.244A>T, p.Arg82Ter (NM_001368911.2); c.316A>T, p.Arg106Ter (NM_001368918.2, NM_001368919.2); and 3 more; short protein forms R67*, R82*, R148*, R81*, R106*, R92*.
Identifiers: ClinVar variation 265499 (VCV000265499.5), dbSNP rs775355156, ClinGen allele CA10588517.
Genomic context (GRCh38, chr11:31,801,719, plus strand): 5'-TTTTGCTTACAACTTCTGGAGTCGCTACTCTCGGTTTACTACCACCGATTGCCCTGGGTC[T>A]GATGGAGCCAGTCTCGTAATACCTGCCCAGAATTTTACTCACACATCCGTTGGACACCTG-3'